The following is an entry in ClinVar:

NM_001083116.3(PRF1):c.781G>A (p.Glu261Lys)

Gene: PRF1 (perforin 1; minus strand). Cytogenetic location: 10q22.1.
Variant type: single nucleotide variant.
Coding change: c.781G>A on transcript NM_001083116.3 (MANE Select); coding-DNA position 781, G replaced by A.
Protein change: p.Glu261Lys; replaces glutamic acid 261 with lysine.
Molecular consequence: missense variant.
Genome position (GRCh38, 1-based): chr10:70,598,940, C>T on the plus strand (G>A on the coding strand, the complement: PRF1 is on the minus strand). VCF-style: chr10-70598940-C-T. GRCh37 (hg19) VCF-style: chr10-72358696-C-T.
Other names: c.781G>A, p.Glu261Lys (NM_005041.6); short protein forms E261K.
Identifiers: ClinVar variation 976231 (VCV000976231.11), dbSNP rs758110629, ClinGen allele CA5538916.
Genomic context (GRCh38, chr10:70,598,940, plus strand): 5'-CCTCACAGGCCTTGGCTTCGGCAGAGATGCTGCCGTGGATGCCTATGTTGACCTGGGCCT[C>T]GACAGTCAGGCAGTCCTCCACCTCGTTGTCCGTGAGCCCTTCCAGGGCCAGCTCGCAGGT-3'
Protein context (NP_001076585.1, residues 251-271): DNEVEDCLTV[Glu261Lys]AQVNIGIHGS

ClinVar aggregate classification (germline): Pathogenic/Likely pathogenic. Review status: criteria provided, multiple submitters, no conflicts (2 of 4 stars). 6 submissions from 6 submitters: Pathogenic (3); Likely pathogenic (3). Last evaluated 2025-11-25.

Conditions:
Familial hemophagocytic lymphohistiocytosis (FHL). Also called: Familial erythrophagocytic lymphohistiocytosis; Familial histiocytic reticulosis; Hereditary hemophagocytic lymphohistiocytosis. Identifiers: Orphanet 158038, Orphanet 540, MedGen C0272199, MONDO:0015541.
Aplastic anemia. Identifiers: Orphanet 182040, Orphanet 88, MedGen C0002874, MONDO:0015909, OMIM 609135, HP:0001915.
Familial hemophagocytic lymphohistiocytosis 2 (FHL2). Also called: PRF1-Related Familial Hemophagocytic Lymphohistiocytosis (PRF1-fHLH). Identifiers: Orphanet 540, MedGen C1863727, MONDO:0011337, OMIM 603553.
PRF1-related disorder. Also called: PRF1-related condition.

Allele frequency attached by ClinVar (database versions not stated): ExAC 0.00001; gnomAD exomes 0.00001 and 0.00002; TOPMed 0.00001.

Submissions (6):

Labcorp Genetics (formerly Invitae), Labcorp
Classification: Pathogenic for Familial hemophagocytic lymphohistiocytosis 2. Last evaluated: 2025-11-25. Review status: criteria provided, single submitter. Criteria: Invitae Variant Classification Sherloc (09022015). Collection method: clinical testing. Allele origin: germline.
Comment: This sequence change replaces glutamic acid, which is acidic and polar, with lysine, which is basic and polar, at codon 261 of the PRF1 protein (p.Glu261Lys). This variant is present in population databases (rs758110629, gnomAD 0.003%). This missense change has been observed in individual(s) with hemophagocytic lymphohistiocytosis (PMID: 12060139, 31789783, 33746956). In at least one individual the data is consistent with being in trans (on the opposite chromosome) from a pathogenic variant. ClinVar contains an entry for this variant (Variation ID: 976231). Invitae Evidence Modeling of protein sequence and biophysical properties (such as structural, functional, and spatial information, amino acid conservation, physicochemical variation, residue mobility, and thermodynamic stability) indicates that this missense variant is expected to disrupt PRF1 protein function with a positive predictive value of 95%. Experimental studies have shown that this missense change affects PRF1 function (PMID: 15755897). For these reasons, this variant has been classified as Pathogenic.

Myriad Genetics, Inc.
Classification: Likely pathogenic for Familial hemophagocytic lymphohistiocytosis 2. Last evaluated: 2025-08-14. Review status: criteria provided, single submitter. Criteria: Myriad Autosomal Dominant, Autosomal Recessive and X-Linked Classification Criteria (2023). Collection method: clinical testing. Allele origin: unknown.
Comment: NM_001083116.1(PRF1):c.781G>A(E261K) is a missense variant classified as likely pathogenic in the context of familial hemophagocytic lymphohistiocytosis, PRF1-related. E261K has been observed in cases with relevant disease (PMID: 31789783, 12060139, 33746956). Relevant functional assessments of this variant are available in the literature (PMID: 15755897). E261K has been observed in referenced population frequency databases. In summary, NM_001083116.1(PRF1):c.781G>A(E261K) is a missense variant that has functional support for pathogenicity and has been observed more frequently in cases with the relevant disease than in healthy populations. Please note: this variant was assessed in the context of healthy population screening.

Women's Health and Genetics/Laboratory Corporation of America, LabCorp
Classification: Pathogenic for Familial hemophagocytic lymphohistiocytosis. Last evaluated: 2021-12-06. Review status: criteria provided, single submitter. Criteria: LabCorp Variant Classification Summary - May 2015. Collection method: clinical testing. Allele origin: germline.
Comment: Variant summary: PRF1 c.781G>A (p.Glu261Lys) results in a conservative amino acid change located in the Membrane attack complex component/perforin (MACPF) domain (IPR020864) of the encoded protein sequence. Four of five in-silico tools predict a damaging effect of the variant on protein function. The variant allele was found at a frequency of 2e-05 in 251436 control chromosomes. c.781G>A has been reported in the literature as homozygous and compound heterozygous genotypes in individuals affected with Familial Hemophagocytic Lymphohistiocytosis (example, Feldmann_2002, Sato_2020, Shabrish_2021). These data indicate that the variant is likely to be associated with disease. At least one publication reports experimental evidence evaluating an impact on protein function (Feldmann_2002). The most pronounced variant effect results in defective perforin expression and severely decreased in vitro T-cell cytotoxic activity in a homozygous individual. One clinical diagnostic laboratory has submitted clinical-significance assessments for this variant to ClinVar after 2014 without evidence for independent evaluation and classified the variant as pathogenic. Based on the evidence outlined above, the variant was classified as pathogenic.

Baylor Genetics
Classification: Likely pathogenic for Aplastic anemia. Last evaluated: 2021-11-04. Review status: criteria provided, single submitter. Criteria: ACMG Guidelines, 2015. Collection method: clinical testing. Allele origin: unknown.

Blueprint Genetics
Classification: Likely pathogenic for PRF1-related disorders. Last evaluated: 2021-02-24. Review status: criteria provided, single submitter. Criteria: ACMG Guidelines, 2015. Collection method: clinical testing. Allele origin: germline. Affected: yes. Observed: 2 variant alleles.

Institute of Human Genetics, University of Leipzig Medical Center
Classification: Pathogenic for Familial hemophagocytic lymphohistiocytosis 2. Last evaluated: 2017-01-01. Review status: criteria provided, single submitter. Criteria: ACMG Guidelines, 2015. Collection method: clinical testing. Allele origin: germline. Affected: yes. Observed: 1 variant allele.

Literature cited by the submitters: PubMed 12060139 (cited by 3 submitters); PubMed 31789783 (cited by 3 submitters); PubMed 33746956 (cited by 3 submitters); PubMed 15755897 (cited by Labcorp Genetics (formerly Invitae), Labcorp and Myriad Genetics, Inc.).